The following is an entry in ClinVar:

NM_176787.5(PIGN):c.1205_1207delinsAG (p.Leu402_Arg403delinsTer)

Gene: PIGN (phosphatidylinositol glycan anchor biosynthesis class N; minus strand). Cytogenetic location: 18q21.33.
Variant type: Indel.
Coding change: c.1205_1207delinsAG on transcript NM_176787.5 (MANE Select); coding-DNA positions 1205 to 1207, TAA replaced by AG.
Protein change: p.Leu402_Arg403delinsTer.
Molecular consequence: nonsense.
Genome position (GRCh38, 1-based): chr18:62,114,605-62,114,607, TTA replaced by CT on the plus strand (TAA replaced by AG on the coding strand, the reverse complement: PIGN is on the minus strand). VCF-style: chr18-62114605-TTA-CT. GRCh37 (hg19) VCF-style: chr18-59781838-TTA-CT.
Other names: c.1205_1207delinsAG, p.Leu402_Arg403delinsTer (NM_012327.6).
Identifiers: ClinVar variation 419349 (VCV000419349.1), dbSNP rs1064793808, ClinGen allele CA16620717.

ClinVar aggregate classification (germline): Likely pathogenic (1 of 4 stars; one submission).

Submission:

GeneDx
Classification: Likely pathogenic. Last evaluated: 2017-05-25. Review status: criteria provided, single submitter. Criteria: GeneDx Variant Classification (06012015). Collection method: clinical testing. Allele origin: germline. Affected: yes.
Comment: The c.1205_1207delTAAinsAG variant in the PIGN gene has not been reported previously as a pathogenic variant nor as a benign variant, to our knowledge. The c.1205_1207delTAAinsAG variant causes a frameshift, changing codon Leucine 402 to a premature Stop codon, denoted p.Leu402Ter. This variant is predicted to cause loss of normal protein function either through protein truncation or nonsense-mediated mRNA decay. The c.1205_1207delTAAinsAG variant is not observed in large population cohorts (Lek et al., 2016; 1000 Genomes Consortium et al., 2015; Exome Variant Server). We interpret c.1205_1207delTAAinsAG as a likely pathogenic variant.